The following is an entry in ClinVar:

ClinVar aggregate classification (germline): Benign/Likely benign. Review status: criteria provided, multiple submitters, no conflicts (2 of 4 stars). 7 submissions from 7 submitters: Benign (3); Likely benign (4). Last evaluated 2026-02-02.

Conditions:
Autosomal recessive spinocerebellar ataxia 13. Identifiers: Orphanet 324262, MedGen C3553816, MONDO:0013905, OMIM 614831.
Spinocerebellar ataxia 44. Identifiers: Orphanet 631095, MedGen C4521563, MONDO:0033479, OMIM 617691.

Allele frequency attached by ClinVar (database versions not stated): 1000 Genomes Project 0.00399; 1000 Genomes Project 30x 0.00406; TOPMed 0.01024; ESP Exome Variant Server 0.01057; gnomAD 0.01345 and 0.01411; gnomAD exomes 0.01642 and 0.01729; ExAC 0.02116.
gnomAD v4.1: 27,014 of 1,607,602 alleles (1.7%); highest among the groups gnomAD compares: Non-Finnish European, 1.9%; 331 homozygotes.

Submissions (7):

Labcorp Genetics (formerly Invitae), Labcorp
Classification: Benign. Last evaluated: 2026-02-02. Review status: criteria provided, single submitter. Criteria: Invitae Variant Classification Sherloc (09022015). Collection method: clinical testing. Allele origin: germline.

Athena Diagnostics
Classification: Benign. Last evaluated: 2023-12-05. Review status: criteria provided, single submitter. Criteria: Athena Diagnostics Criteria. Collection method: clinical testing. Allele origin: unknown.

Victorian Clinical Genetics Services, Murdoch Childrens Research Institute
Classification: Likely benign for Autosomal recessive spinocerebellar ataxia 13. Last evaluated: 2023-07-17. Review status: criteria provided, single submitter. Criteria: ACMG Guidelines, 2015. Collection method: clinical testing. Allele origin: germline. Inheritance: Autosomal recessive inheritance.
Comment: Based on the classification scheme VCGS_Germline_v1.3.4, this variant is classified as likely benign. Following criteria are met: 0308 - Population frequency for this variant is out of keeping with known incidence of spinocerebellar ataxia, autosomal recessive 13 (MIM#614831), with 77 homozygotes in gnomAD v2. (SB) Legend: (SP) - Supporting pathogenic, (I) - Information, (SB) - Supporting benign

Mayo Clinic Laboratories, Mayo Clinic
Classification: Benign. Last evaluated: 2023-07-07. Review status: criteria provided, single submitter. Criteria: ACMG Guidelines, 2015. Collection method: clinical testing. Allele origin: germline. Observed: 11 variant alleles.
Comment: BA1, BS2

Fulgent Genetics
Classification: Likely benign for Autosomal recessive spinocerebellar ataxia 13; Spinocerebellar ataxia 44. Last evaluated: 2021-12-02. Review status: criteria provided, single submitter. Criteria: ACMG Guidelines, 2015. Collection method: clinical testing. Allele origin: unknown.

GeneDx
Classification: Likely benign. Last evaluated: 2021-05-06. Review status: criteria provided, single submitter. Criteria: GeneDx Variant Classification Process June 2021. Collection method: clinical testing. Allele origin: germline. Affected: yes.

Breakthrough Genomics
Classification: Likely benign. Review status: criteria provided, single submitter. Criteria: ACMG Guidelines, 2015. Collection method: not provided. Allele origin: germline. Inheritance: Autosomal recessive inheritance. Affected: yes.

Literature cited by the submitters: PubMed 19924463 (cited by Athena Diagnostics); PubMed 27957625 (cited by Athena Diagnostics); PubMed 22901947 (cited by Athena Diagnostics); PubMed 21703448 (cited by Athena Diagnostics).

NM_001278064.2(GRM1):c.2651G>A (p.Gly884Glu)

Gene: GRM1 (glutamate metabotropic receptor 1; plus strand). Cytogenetic location: 6q24.3.
Variant type: single nucleotide variant.
Coding change: c.2651G>A on transcript NM_001278064.2 (MANE Select); coding-DNA position 2651, G replaced by A.
Protein change: p.Gly884Glu; replaces glycine 884 with glutamic acid.
Molecular consequence: missense variant.
Genome position (GRCh38, 1-based): chr6:146,399,690, G>A. VCF-style: chr6-146399690-G-A. GRCh37 (hg19) VCF-style: chr6-146720826-G-A.
Other names: p.Gly884Glu; c.2651G>A, p.Gly884Glu (NM_001278065.2, NM_001278066.1, NM_001278067.1); c.2651G>A (NM_001278065.1); short protein forms G884E.
Identifiers: ClinVar variation 995113 (VCV000995113.13), dbSNP rs362936, ClinGen allele CA4037476.